The following is an entry in ClinVar:

NM_003482.4(KMT2D):c.2409_2410insCCGCATCTGTCCCCTCAGCCTGAGGAA (p.Glu803_Leu804insProHisLeuSerProGlnProGluGlu)

Gene: KMT2D (lysine methyltransferase 2D; minus strand). Cytogenetic location: 12q13.12.
Variant type: Insertion.
Coding change: c.2409_2410insCCGCATCTGTCCCCTCAGCCTGAGGAA on transcript NM_003482.4 (MANE Select); coding-DNA positions 2409 to 2410, CCGCATCTGTCCCCTCAGCCTGAGGAA inserted.
Protein change: p.Glu803_Leu804insProHisLeuSerProGlnProGluGlu.
Molecular consequence: inframe insertion. On other transcripts: inframe indel (1).
Genome position: GRCh38 VCF-style: chr12-49051273-A-ATTCCTCAGGCTGAGGGGACAGATGCGG. GRCh37 (hg19) VCF-style: chr12-49445056-A-ATTCCTCAGGCTGAGGGGACAGATGCGG.
Other names: c.2409_2410insCCGCATCTGTCCCCTCAGCCTGAGGAA (NM_003482.3).
Identifiers: ClinVar variation 3355585 (VCV003355585.3).
Genomic context (GRCh38, chr12:49,051,273, plus strand): 5'-AGCATGGCTCCTCAGGCACAGGAGACAGGTGCGGCTCCTCAGTCTGGGGGGACAGGTGCA[A>ATTCCTCAGGCTGAGGGGACAGATGCGG]TTCCTCAGGCTGAGGGGACAGATGTGGTCCCTCAGCCTGGGGGGACAAGTGTGGCTCCTC-3'

ClinVar aggregate classification (germline): Uncertain significance. Review status: criteria provided, multiple submitters, no conflicts (2 of 4 stars). 3 submissions from 3 submitters: Uncertain significance (2). 1 of the submissions does not count toward it. Last evaluated 2025-09-16.

Conditions:
Kabuki syndrome 1 (KABUK1). Also called: KMT2D-Related Kabuki Syndrome. Identifiers: Orphanet 2322, MedGen CN030661, MONDO:0007843, OMIM 147920.
Choanal atresia-athelia-hypothyroidism-delayed puberty-short stature syndrome (BCAHH). Also called: BRANCHIAL ARCH ABNORMALITIES, CHOANAL ATRESIA, ATHELIA, HEARING LOSS, AND HYPOTHYROIDISM SYNDROME. Identifiers: Orphanet 589856, MedGen C5680310, MONDO:0035651, OMIM 620186.
KMT2D-related disorder. Also called: KMT2D-Related Disorders.
Kabuki syndrome. Also called: NIIKAWA-KUROKI SYNDROME; Kabuki make-up syndrome. Identifiers: Orphanet 2322, MedGen C0796004, MONDO:0016512.

Submissions (3):

Labcorp Genetics (formerly Invitae), Labcorp
Classification: Uncertain significance for Kabuki syndrome. Last evaluated: 2025-09-16. Review status: criteria provided, single submitter. Criteria: Invitae Variant Classification Sherloc (09022015). Collection method: clinical testing. Allele origin: germline.
Comment: This variant, c.2409_2410insCCGCATCTGTCCCCTCAGCCTGAGGAA, results in the insertion of 9 amino acid(s) of the KMT2D protein (p.Pro795_Glu803dup), but otherwise preserves the integrity of the reading frame. This variant is present in population databases (rs752597307, gnomAD 0.01%). This variant has not been reported in the literature in individuals affected with KMT2D-related conditions. ClinVar contains an entry for this variant (Variation ID: 3355585). Experimental studies and prediction algorithms are not available or were not evaluated, and the functional significance of this variant is currently unknown. In summary, the available evidence is currently insufficient to determine the role of this variant in disease. Therefore, it has been classified as a Variant of Uncertain Significance.

Fulgent Genetics
Classification: Uncertain significance for Kabuki syndrome 1; Choanal atresia-athelia-hypothyroidism-delayed puberty-short stature syndrome. Last evaluated: 2024-01-15. Review status: criteria provided, single submitter. Criteria: ACMG Guidelines, 2015. Collection method: clinical testing. Allele origin: germline.

PreventionGenetics, part of Exact Sciences
Classification: Uncertain significance for KMT2D-related condition. Last evaluated: 2024-05-11. Review status: no assertion criteria provided. Collection method: clinical testing. Allele origin: germline. Not counted in ClinVar's aggregate classification.
Comment: The KMT2D c.2409_2410insCCGCATCTGTCCCCTCAGCCTGAGGAA variant is predicted to result in an in-frame amino acid insertion (p.Pro795_Glu803dup). To our knowledge, this variant has not been reported in the literature. This variant is reported in 0.014% of alleles in individuals of African descent in gnomAD. Although we suspect that this variant may be benign, at this time, the clinical significance of this variant is uncertain due to the absence of conclusive functional and genetic evidence.